The following is an entry in ClinVar:

NM_001267550.2(TTN):c.65657_65658del (p.Thr21886fs)

Genes: TTN (titin; minus strand), TTN-AS1 (TTN antisense RNA 1; plus strand). Cytogenetic location: 2q31.2.
Variant type: Deletion.
Coding change: c.65657_65658del on transcript NM_001267550.2 (MANE Select); coding-DNA positions 65657 to 65658, 2 bases deleted (CT; older notation c.65657_65658delCT).
Protein change: p.Thr21886fs; shifts the reading frame from threonine 21886.
Molecular consequence: frameshift variant. On other transcripts: non-coding transcript variant (1).
Genome position (GRCh38, 1-based): chr2:178,583,145-178,583,146, AG deleted on the plus strand (CT on the coding strand, the reverse complement: TTN is on the minus strand). VCF-style (leftmost placement, unchanged base first): chr2-178583144-CAG-C. GRCh37 (hg19) VCF-style: chr2-179447871-CAG-C.
Other names: c.57953_57954del, p.Thr19318fs (NM_133378.4); c.38837_38838del, p.Thr12946fs (NM_133432.3); c.38462_38463del, p.Thr12821fs (NM_003319.4); c.39038_39039del, p.Thr13013fs (NM_133437.4); c.60734_60735del, p.Thr20245fs (NM_001256850.1); short protein forms T12946fs, T13013fs, T20245fs, T19318fs, T21886fs, T12821fs.
Identifiers: ClinVar variation 842458 (VCV000842458.12), dbSNP rs2048154655, ClinGen allele CA916081368.

ClinVar aggregate classification (germline): Likely pathogenic (1 of 4 stars; one submission).

Conditions:
Autosomal recessive limb-girdle muscular dystrophy type 2J (LGMDR10). Also called: Limb-girdle muscular dystrophy, type 2J; MUSCULAR DYSTROPHY, LIMB-GIRDLE, AUTOSOMAL RECESSIVE 10. Identifiers: Orphanet 140922, MedGen C1837342, MONDO:0012127, OMIM 608807.
Dilated cardiomyopathy 1G (CMD1G). Identifiers: Orphanet 154, MedGen C1858763, MONDO:0011400, OMIM 604145.

Submission:

Labcorp Genetics (formerly Invitae), Labcorp
Classification: Likely pathogenic for Dilated cardiomyopathy 1G; Autosomal recessive limb-girdle muscular dystrophy type 2J. Last evaluated: 2023-01-14. Review status: criteria provided, single submitter. Criteria: Invitae Variant Classification Sherloc (09022015). Collection method: clinical testing. Allele origin: germline.
Comment: Algorithms developed to predict the effect of sequence changes on RNA splicing suggest that this variant may create or strengthen a splice site. This variant is located in the A band of TTN (PMID: 25589632). Truncating variants in this region are significantly overrepresented in patients affected with dilated cardiomyopathy (PMID: 25589632). Truncating variants in this region have also been reported in individuals affected with autosomal recessive centronuclear myopathy (PMID: 23975875). In summary, the currently available evidence indicates that the variant is pathogenic, but additional data are needed to prove that conclusively. Therefore, this variant has been classified as Likely Pathogenic. This sequence change creates a premature translational stop signal (p.Thr21886Serfs*4) in the TTN gene. While this is not anticipated to result in nonsense mediated decay, it is expected to create a truncated TTN protein. This variant is not present in population databases (gnomAD no frequency). This variant has not been reported in the literature in individuals affected with TTN-related conditions. ClinVar contains an entry for this variant (Variation ID: 842458).

Literature cited by the submitters: PubMed 25589632; PubMed 23975875.